The following is an entry in ClinVar:

ClinVar aggregate classification (germline): Uncertain significance. Review status: criteria provided, multiple submitters, no conflicts (2 of 4 stars). 2 submissions from 2 submitters: Uncertain significance (2). Last evaluated 2025-06-14.

Allele frequency attached by ClinVar (database versions not stated): gnomAD exomes 0.00004; ExAC 0.00011; 1000 Genomes Project 30x 0.00016; 1000 Genomes Project 0.00020; gnomAD 0.00038; TOPMed 0.00045; ESP Exome Variant Server 0.00054.
gnomAD v4.1: 124 of 1,613,720 alleles (0.0077%); highest among the groups gnomAD compares: African/African-American, 0.14%; no homozygotes.

Submissions (2):

Labcorp Genetics (formerly Invitae), Labcorp
Classification: Uncertain significance. Last evaluated: 2025-06-14. Review status: criteria provided, single submitter. Criteria: Invitae Variant Classification Sherloc (09022015). Collection method: clinical testing. Allele origin: germline.
Comment: This sequence change replaces isoleucine, which is neutral and non-polar, with threonine, which is neutral and polar, at codon 77 of the TIMMDC1 protein (p.Ile77Thr). This variant is present in population databases (rs139467319, gnomAD 0.1%). This variant has not been reported in the literature in individuals affected with TIMMDC1-related conditions. ClinVar contains an entry for this variant (Variation ID: 2181295). Invitae Evidence Modeling of protein sequence and biophysical properties (such as structural, functional, and spatial information, amino acid conservation, physicochemical variation, residue mobility, and thermodynamic stability) has been performed for this missense variant. However, the output from this modeling did not meet the statistical confidence thresholds required to predict the impact of this variant on TIMMDC1 protein function. In summary, the available evidence is currently insufficient to determine the role of this variant in disease. Therefore, it has been classified as a Variant of Uncertain Significance.

Ambry Genetics
Classification: Uncertain significance. Last evaluated: 2021-07-21. Review status: criteria provided, single submitter. Criteria: Ambry Variant Classification Scheme 2023. Collection method: clinical testing. Allele origin: germline.

NM_016589.4(TIMMDC1):c.230T>C (p.Ile77Thr)

Gene: TIMMDC1 (translocase of inner mitochondrial membrane domain containing 1; plus strand). Cytogenetic location: 3q13.33.
Variant type: single nucleotide variant.
Coding change: c.230T>C on transcript NM_016589.4 (MANE Select); coding-DNA position 230, T replaced by C.
Protein change: p.Ile77Thr; replaces isoleucine 77 with threonine.
Molecular consequence: missense variant.
Genome position (GRCh38, 1-based): chr3:119,500,730, T>C. VCF-style: chr3-119500730-T-C. GRCh37 (hg19) VCF-style: chr3-119219577-T-C.
Other names: c.230T>C (NM_016589.3); short protein forms I77T.
Identifiers: ClinVar variation 2181295 (VCV002181295.5), dbSNP rs139467319, ClinGen allele CA2555174.
Genomic context (GRCh38, chr3:119,500,730, plus strand): 5'-CAACATTGTCTTTTTGATGTTGTAGTGAACAGCAGAGAATTTCAAAGGACCTTGCTAATA[T>C]CTGTAAGACGGCAGCTACAGCAGGCATCATTGGCTGGGTGTATGGGGGAATACCAGCTTT-3'
Protein context (NP_057673.2, residues 67-87): QQRISKDLAN[Ile77Thr]CKTAATAGII